The following is an entry in ClinVar:

NM_000321.3(RB1):c.1175C>T (p.Ala392Val)

Gene: RB1 (RB transcriptional corepressor 1; plus strand). Cytogenetic location: 13q14.2.
Variant type: single nucleotide variant.
Coding change: c.1175C>T on transcript NM_000321.3 (MANE Select); coding-DNA position 1175, C replaced by T.
Protein change: p.Ala392Val; replaces alanine 392 with valine.
Molecular consequence: missense variant.
Genome position (GRCh38, 1-based): chr13:48,373,452, C>T. VCF-style: chr13-48373452-C-T. GRCh37 (hg19) VCF-style: chr13-48947588-C-T.
Other names: c.1175C>T, p.Ala392Val (NM_001407165.1, NM_001407166.1); short protein forms A392V.
Identifiers: ClinVar variation 3943357 (VCV003943357.1).
Genomic context (GRCh38, chr13:48,373,452, plus strand): 5'-TTATCCCCTCTAGGACTGTTATGAACACTATCCAACAATTAATGATGATTTTAAATTCAG[C>T]AAGTGATCAACCTTCAGAAAATCTGATTTCCTATTTTAACGTAAGCCATATATGAAACAT-3'
Protein context (NP_000312.2, residues 382-402): IQQLMMILNS[Ala392Val]SDQPSENLIS

ClinVar aggregate classification (germline): Uncertain significance (1 of 4 stars; one submission).

Conditions:
Hereditary cancer-predisposing syndrome. Also called: Tumor predisposition; Hereditary neoplastic syndrome; Hereditary Cancer Syndrome; Neoplastic Syndromes, Hereditary. Identifiers: Orphanet 140162, MedGen C0027672, MeSH D009386, MONDO:0015356.

Submission:

Ambry Genetics
Classification: Uncertain significance for Hereditary cancer-predisposing syndrome. Last evaluated: 2025-05-21. Review status: criteria provided, single submitter. Criteria: Ambry Variant Classification Scheme 2023. Collection method: clinical testing. Allele origin: germline.
Comment: The p.A392V variant (also known as c.1175C>T), located in coding exon 12 of the RB1 gene, results from a C to T substitution at nucleotide position 1175. The alanine at codon 392 is replaced by valine, an amino acid with similar properties. This amino acid position is well conserved in available vertebrate species. In silico splice site analysis predicts that this alteration may weaken the native splice donor site and will result in the creation or strengthening of a novel splice donor site; however, direct evidence is insufficient at this time (Ambry internal data). Based on the available evidence, the clinical significance of this variant remains unclear.